The following is an entry in ClinVar:

NM_015341.5(NCAPH):c.99G>T (p.Val33=)

Gene: NCAPH (non-SMC condensin I complex subunit H; plus strand). Cytogenetic location: 2q11.2.
Variant type: single nucleotide variant.
Coding change: c.99G>T on transcript NM_015341.5 (MANE Select); coding-DNA position 99, G replaced by T.
Protein change: p.Val33=; no amino-acid change (valine 33 retained).
Molecular consequence: synonymous variant. On other transcripts: intron variant (1).
Genome position (GRCh38, 1-based): chr2:96,341,721, G>T. VCF-style: chr2-96341721-G-T. GRCh37 (hg19) VCF-style: chr2-97007459-G-T.
Other names: c.66G>T, p.Val22= (NM_001281710.2); c.27G>T, p.Val9= (NM_001281711.2); c.-136-329G>T (NM_001281712.2).
Identifiers: ClinVar variation 3053109 (VCV003053109.2), dbSNP rs561015827, ClinGen allele CA1779723.

ClinVar aggregate classification (germline): Likely benign (0 of 4 stars; one submission).

Conditions:
NCAPH-related disorder. Also called: NCAPH-related condition.

gnomAD v4.1: 98 of 1,614,108 alleles (0.0061%); highest among the groups gnomAD compares: Middle Eastern, 0.15%; 1 homozygote.

Submission:

PreventionGenetics, part of Exact Sciences
Classification: Likely benign for NCAPH-related condition. Last evaluated: 2019-08-20. Review status: no assertion criteria provided. Collection method: clinical testing. Allele origin: germline.
Comment: This variant is classified as likely benign based on ACMG/AMP sequence variant interpretation guidelines (Richards et al. 2015 PMID: 25741868, with internal and published modifications).